The following is an entry in ClinVar:

NM_001111.5(ADAR):c.1478A>G (p.Tyr493Cys)

Gene: ADAR (adenosine deaminase RNA specific; minus strand). Cytogenetic location: 1q21.3.
Variant type: single nucleotide variant.
Coding change: c.1478A>G on transcript NM_001111.5 (MANE Select); coding-DNA position 1478, A replaced by G.
Protein change: p.Tyr493Cys; replaces tyrosine 493 with cysteine.
Molecular consequence: missense variant.
Genome position (GRCh38, 1-based): chr1:154,601,164, T>C on the plus strand (A>G on the coding strand, the complement: ADAR is on the minus strand). VCF-style: chr1-154601164-T-C. GRCh37 (hg19) VCF-style: chr1-154573640-T-C.
Other names: c.593A>G, p.Tyr198Cys (NM_001025107.3, NM_001193495.2, NM_001365046.1 and 3 more transcripts); c.1505A>G, p.Tyr502Cys (NM_001365045.1); c.1478A>G, p.Tyr493Cys (NM_015840.4, NM_015841.4); short protein forms Y198C, Y493C, Y502C.
Identifiers: ClinVar variation 1011698 (VCV001011698.9), dbSNP rs1697847223, ClinGen allele CA342596192.

ClinVar aggregate classification (germline): Uncertain significance (1 of 4 stars; one submission).

Conditions:
Aicardi-Goutieres syndrome 6 (AGS6). Identifiers: Orphanet 51, MedGen C3539013, MONDO:0014007, OMIM 615010.
Symmetrical dyschromatosis of extremities (DSH). Also called: RETICULATE ACROPIGMENTATION OF DOHI; SYMMETRIC DYSCHROMATOSIS OF THE EXTREMITIES; Dyschromatosis symmetrica hereditaria; DYSCHROMATOSIS SYMMETRICA HEREDITARIA 1. Identifiers: Orphanet 41, MedGen C0406775, MONDO:0007483, OMIM 127400.

Submission:

Labcorp Genetics (formerly Invitae), Labcorp
Classification: Uncertain significance for Aicardi-Goutieres syndrome 6; Symmetrical dyschromatosis of extremities. Last evaluated: 2022-12-16. Review status: criteria provided, single submitter. Criteria: Invitae Variant Classification Sherloc (09022015). Collection method: clinical testing. Allele origin: germline.
Comment: This sequence change replaces tyrosine, which is neutral and polar, with cysteine, which is neutral and slightly polar, at codon 493 of the ADAR protein (p.Tyr493Cys). This variant is not present in population databases (gnomAD no frequency). This variant has not been reported in the literature in individuals affected with ADAR-related conditions. ClinVar contains an entry for this variant (Variation ID: 1011698). Advanced modeling of protein sequence and biophysical properties (such as structural, functional, and spatial information, amino acid conservation, physicochemical variation, residue mobility, and thermodynamic stability) performed at Invitae indicates that this missense variant is not expected to disrupt ADAR protein function. In summary, the available evidence is currently insufficient to determine the role of this variant in disease. Therefore, it has been classified as a Variant of Uncertain Significance.